The following is an entry in ClinVar:

ClinVar aggregate classification (germline): Pathogenic/Likely pathogenic. Review status: criteria provided, multiple submitters, no conflicts (2 of 4 stars). 7 submissions from 7 submitters: Pathogenic (5); Likely pathogenic (2). Last evaluated 2026-05-01.

Conditions:
BCKDHB-related disorder. Also called: BCKDHB-related condition.
Maple syrup urine disease type 1B (MSUD1B). Also called: MSUD type IB; MSUD type 3 (formerly); MSUD due to deficiency of e1-beta subunit of branched-chain alpha-keto acid dehydrogenase complex. Identifiers: MedGen C2930990, MONDO:0023692, OMIM 620698.
Maple syrup urine disease (MSUD). Identifiers: Orphanet 511, MedGen C0024776, MeSH D008375, MONDO:0009563. Disease mechanism: loss of function.

Allele frequency attached by ClinVar (database versions not stated): gnomAD exomes 0.00001; gnomAD 0.00003; TOPMed 0.00004.

Submissions (7):

CeGaT Center for Human Genetics Tuebingen
Classification: Pathogenic. Last evaluated: 2026-05-01. Review status: criteria provided, single submitter. Criteria: CeGaT Center For Human Genetics Tuebingen Variant Classification Criteria Version 2. Collection method: clinical testing. Allele origin: germline. Affected: yes. Observed: 1 variant allele.
Comment: BCKDHB: PM3:Strong, PVS1:Strong, PM2, PP4:Moderate

Natera, Inc.
Classification: Pathogenic for Maple syrup urine disease type 1B. Last evaluated: 2025-04-29. Review status: criteria provided, single submitter. Criteria: Natera Variant Classification Schema (03/2026). Collection method: clinical testing. Allele origin: germline.
Comment: The c.33_34delAC variant in BCKDHB is a frameshift variant predicted to shift the reading frame beginning at codon 12 and leads to a stop codon 8 codons downstream. This variant is expected to result in nonsense mediated decay, truncation, or a dysfunctional protein product. This variant is rare in the general population with a frequency below the threshold expected for the associated phenotype(s). This variant has been observed in one or more individuals affected with the associated recessive disease, as either homozygous or compound heterozygous with a second variant (PMID: 38146699). Given the available evidence, this variant is classified as Pathogenic.

PreventionGenetics, part of Exact Sciences
Classification: Pathogenic for BCKDHB-related condition. Last evaluated: 2024-10-10. Review status: criteria provided, single submitter. Criteria: ACMG Guidelines, 2015. Collection method: clinical testing. Allele origin: germline.
Comment: The BCKDHB c.33_34delAC variant is predicted to result in a frameshift and premature protein termination (p.Leu12Glnfs*8). This variant has been observed in three individuals with maple syrup urine disease, with the data consistent with the variants being in trans in at least two of the individuals (Table S1, Strauss et al. 2020. PubMed ID: 31980395; Table 1, Cook et al. 2024. PubMed ID: 38146699; Internal Data). This variant is reported in 0.0018% of alleles in individuals of European (Non-Finnish) descent in gnomAD. Other loss-of-function variants in BCKDHB have been reported to be causative for MSUD (e.g., Rodríguez-Pombo et al. 2006. PubMed ID: 16786533; Strauss et al. 2020. PubMed ID: 31980395; Human Gene Mutation Database at HGMD), although to our knowledge none have been reported 5’ to this variant. Based on these observations, we classify this variant as pathogenic.

Fulgent Genetics
Classification: Likely pathogenic for Maple syrup urine disease type 1B. Last evaluated: 2024-04-19. Review status: criteria provided, single submitter. Criteria: ACMG Guidelines, 2015. Collection method: clinical testing. Allele origin: germline.

Labcorp Genetics (formerly Invitae), Labcorp
Classification: Pathogenic for Maple syrup urine disease. Last evaluated: 2024-02-02. Review status: criteria provided, single submitter. Criteria: Invitae Variant Classification Sherloc (09022015). Collection method: clinical testing. Allele origin: germline.
Comment: This sequence change creates a premature translational stop signal (p.Leu12Glnfs*8) in the BCKDHB gene. It is expected to result in an absent or disrupted protein product. Loss-of-function variants in BCKDHB are known to be pathogenic (PMID: 16786533, 22593002). This variant is present in population databases (rs398124572, gnomAD 0.002%). This variant has not been reported in the literature in individuals affected with BCKDHB-related conditions. ClinVar contains an entry for this variant (Variation ID: 96578). For these reasons, this variant has been classified as Pathogenic.

Genome-Nilou Lab
Classification: Likely pathogenic for Maple syrup urine disease type 1A. Last evaluated: 2021-11-07. Review status: criteria provided, single submitter. Criteria: ACMG Guidelines, 2015. Collection method: clinical testing. Allele origin: germline. Affected: no.

Eurofins Ntd Llc (ga)
Classification: Pathogenic. Last evaluated: 2013-11-25. Review status: criteria provided, single submitter. Criteria: EGL Classification Definitions. Collection method: clinical testing. Allele origin: germline. Observed: 5 variant alleles, 4 heterozygotes, 1 homozygote.

Literature cited by the submitters: PubMed 38146699 (cited by Natera, Inc.); PubMed 16786533 (cited by Labcorp Genetics (formerly Invitae), Labcorp); PubMed 22593002 (cited by Labcorp Genetics (formerly Invitae), Labcorp).

NM_183050.4(BCKDHB):c.33_34del (p.Leu12fs)

Gene: BCKDHB (branched chain keto acid dehydrogenase E1 subunit beta; plus strand). Cytogenetic location: 6q14.1.
Variant type: Deletion.
Coding change: c.33_34del on transcript NM_183050.4 (MANE Select); coding-DNA positions 33 to 34, 2 bases deleted (AC; older notation c.33_34delAC).
Protein change: p.Leu12fs; shifts the reading frame from leucine 12.
Molecular consequence: frameshift variant. On other transcripts: non-coding transcript variant (1), intron variant (1).
Genome position (GRCh38, 1-based): chr6:80,106,726-80,106,727, AC deleted. VCF-style (leftmost placement, unchanged base first): chr6-80106725-TAC-T. GRCh37 (hg19) VCF-style: chr6-80816442-TAC-T.
Other names: c.33_34del (NM_183050.2); c.33_34del, p.Leu12fs (NM_000056.5); c.-15+43_-15+44del (NM_001318975.1); c.33_34delAC (NM_183050.3); short protein forms L12fs.
Identifiers: ClinVar variation 96578 (VCV000096578.28), dbSNP rs398124572, ClinGen allele CA224272.